The following is an entry in ClinVar:

NM_006766.5(KAT6A):c.4934G>A (p.Ser1645Asn)

Gene: KAT6A (lysine acetyltransferase 6A; minus strand). Cytogenetic location: 8p11.21.
Variant type: single nucleotide variant.
Coding change: c.4934G>A on transcript NM_006766.5 (MANE Select); coding-DNA position 4934, G replaced by A.
Protein change: p.Ser1645Asn; replaces serine 1645 with asparagine.
Molecular consequence: missense variant.
Genome position (GRCh38, 1-based): chr8:41,933,286, C>T on the plus strand (G>A on the coding strand, the complement: KAT6A is on the minus strand). VCF-style: chr8-41933286-C-T. GRCh37 (hg19) VCF-style: chr8-41790804-C-T.
Other names: short protein forms S1645N.
Identifiers: ClinVar variation 4687645 (VCV004687645.1).
Genomic context (GRCh38, chr8:41,933,286, plus strand): 5'-TGTGGCGGCGGCGGCTGTGGCTGCTGTGGAGGCGGTGGTGGCGGCTGCTGCTGCTGGTTA[C>T]TGGGAGGCCTCTCCACCACGCAGCTCTGAGGTGACTTGATGCTGCAGTTGGCAGCAGGCT-3'
Protein context (NP_006757.2, residues 1635-1655): PQSCVVERPP[Ser1645Asn]NQQQQPPPPP

ClinVar aggregate classification (germline): Uncertain significance (1 of 4 stars; one submission).

gnomAD v4.1: 1 of 1,580,040 alleles (0.000063%); highest among the groups gnomAD compares: Non-Finnish European, 0.000086%; no homozygotes.

Submission:

Women's Health and Genetics/Laboratory Corporation of America, LabCorp
Classification: Uncertain significance. Last evaluated: 2025-10-29. Review status: criteria provided, single submitter. Criteria: LabCorp Variant Classification Summary - May 2015. Collection method: clinical testing. Allele origin: germline.
Comment: Variant summary: KAT6A c.4934G>A (p.Ser1645Asn) results in a conservative amino acid change in the encoded protein sequence. Algorithms developed to predict the effect of missense changes on protein structure and function are either unavailable or do not agree on the potential impact of this missense change. The variant was absent in 215596 control chromosomes. The available data on variant occurrences in the general population are insufficient to allow any conclusion about variant significance. To our knowledge, no occurrence of c.4934G>A in individuals affected with KAT6A-related conditions and no experimental evidence demonstrating its impact on protein function have been reported. No submitters have cited clinical-significance assessments for this variant to ClinVar. Based on the evidence outlined above, the variant was classified as uncertain significance.